The following is an entry in ClinVar:

ClinVar aggregate classification (germline): Uncertain significance (1 of 4 stars; one submission).

Conditions:
Biliary, renal, neurologic, and skeletal syndrome (BRENS). Also called: BRENS SYNDROME. Identifiers: MedGen C5561990, MONDO:0859191, OMIM 619534.

Submission:

Department of Medical Genomics, Royal Prince Alfred Hospital
Classification: Uncertain significance for Biliary, renal, neurologic, and skeletal syndrome. Last evaluated: 2023-09-08. Review status: criteria provided, single submitter. Criteria: ACMG Guidelines, 2015. Collection method: clinical testing. Allele origin: unknown. Inheritance: Autosomal recessive inheritance. Affected: yes.
Comment: This heterozygous c.476C>T missense variant results in a Serine to Leucine change at position 159, p.(Ser159Leu), which is located in tetratricopeptide repeat (TPR) domain 3 of IFT56. TPRs are found in a large number of proteins and are generally involved in protein-protein interactions. The variant is absent in the gnomAD database. In silico analysis is suggestive of a damaging effect (REVEL 0.69). The current evidence classifies this variant as a Variant of Unknown Significance (ACMG criteria: PM3, PM1_supporting, PM2_supporting, PP3).

NM_024926.4(IFT56):c.476C>T (p.Ser159Leu)

Gene: IFT56 (intraflagellar transport 56; plus strand). Cytogenetic location: 7q34.
Variant type: single nucleotide variant.
Coding change: c.476C>T on transcript NM_024926.4 (MANE Select); coding-DNA position 476, C replaced by T.
Protein change: p.Ser159Leu; replaces serine 159 with leucine.
Molecular consequence: missense variant. On other transcripts: intron variant (2).
Genome position (GRCh38, 1-based): chr7:139,147,221, C>T. VCF-style: chr7-139147221-C-T. GRCh37 (hg19) VCF-style: chr7-138831967-C-T.
Other names: c.476C>T, p.Ser159Leu (NM_001144920.3, NM_001321740.2, NM_001321742.2); c.383C>T, p.Ser128Leu (NM_001144923.3); c.161C>T, p.Ser54Leu (NM_001287513.2); c.56C>T, p.Ser19Leu (NM_001318333.2); c.399+4916C>T (NM_001321741.2, NM_001287512.2); short protein forms S128L, S159L, S19L, S54L.
Identifiers: ClinVar variation 2579116 (VCV002579116.2), dbSNP rs2485971891, ClinGen allele CA369400272.
Genomic context (GRCh38, chr7:139,147,221, plus strand): 5'-AATTGATGAGCTTTCATCAAAATCTTCAGGATGTCACAGAAGATCAACTCAGTTTGGCCT[C>T]AATCCACTATATGCGATCTCACTACCAAGAAGCTATAGATATATATAAGCGAATACTGCT-3'
Protein context (NP_079202.2, residues 149-169): DVTEDQLSLA[Ser159Leu]IHYMRSHYQE